The following is an entry in ClinVar:

ClinVar aggregate classification (germline): Uncertain significance. Review status: criteria provided, multiple submitters, no conflicts (2 of 4 stars). 2 submissions from 2 submitters: Uncertain significance (2). Last evaluated 2025-01-22.

Conditions:
Pseudohypoaldosteronism type 2E (PHA2E). Also called: Pseudohypoaldosteronism Type IIE. Identifiers: Orphanet 300530, Orphanet 757, MedGen C3469606, MONDO:0013782, OMIM 614496.
Neurodevelopmental disorder with or without autism or seizures (NEDAUS). Identifiers: MedGen C5543225, MONDO:0030994, OMIM 619239.

Submissions (2):

Labcorp Genetics (formerly Invitae), Labcorp
Classification: Uncertain significance. Last evaluated: 2025-01-22. Review status: criteria provided, single submitter. Criteria: Invitae Variant Classification Sherloc (09022015). Collection method: clinical testing. Allele origin: germline.
Comment: This sequence change replaces alanine, which is neutral and non-polar, with threonine, which is neutral and polar, at codon 415 of the CUL3 protein (p.Ala415Thr). This variant is not present in population databases (gnomAD no frequency). This variant has not been reported in the literature in individuals affected with CUL3-related conditions. Invitae Evidence Modeling of protein sequence and biophysical properties (such as structural, functional, and spatial information, amino acid conservation, physicochemical variation, residue mobility, and thermodynamic stability) indicates that this missense variant is not expected to disrupt CUL3 protein function with a negative predictive value of 95%. Algorithms developed to predict the effect of sequence changes on RNA splicing suggest that this variant may create or strengthen a splice site. In summary, the available evidence is currently insufficient to determine the role of this variant in disease. Therefore, it has been classified as a Variant of Uncertain Significance.

Fulgent Genetics
Classification: Uncertain significance for Pseudohypoaldosteronism type 2E; Neurodevelopmental disorder with or without autism or seizures. Last evaluated: 2024-03-11. Review status: criteria provided, single submitter. Criteria: ACMG Guidelines, 2015. Collection method: clinical testing. Allele origin: germline.

NM_003590.5(CUL3):c.1243G>A (p.Ala415Thr)

Gene: CUL3 (cullin 3; minus strand). Cytogenetic location: 2q36.2.
Variant type: single nucleotide variant.
Coding change: c.1243G>A on transcript NM_003590.5 (MANE Select); coding-DNA position 1243, G replaced by A.
Protein change: p.Ala415Thr; replaces alanine 415 with threonine.
Molecular consequence: missense variant.
Genome position (GRCh38, 1-based): chr2:224,503,786, C>T on the plus strand (G>A on the coding strand, the complement: CUL3 is on the minus strand). VCF-style: chr2-224503786-C-T. GRCh37 (hg19) VCF-style: chr2-225368503-C-T.
Other names: c.1045G>A, p.Ala349Thr (NM_001257197.2); c.1261G>A, p.Ala421Thr (NM_001257198.2); short protein forms A421T, A349T, A415T.
Identifiers: ClinVar variation 3585710 (VCV003585710.3).